The following is an entry in ClinVar:

NM_003072.5(SMARCA4):c.2124-2A>G

Gene: SMARCA4 (SWI/SNF related BAF chromatin remodeling complex subunit ATPase 4; plus strand). Cytogenetic location: 19p13.2.
Variant type: single nucleotide variant.
Coding change: c.2124-2A>G on transcript NM_003072.5 (MANE Select); the canonical splice acceptor site of the intron before coding-DNA position 2124, A replaced by G.
Molecular consequence: splice acceptor variant.
Genome position (GRCh38, 1-based): chr19:11,010,379, A>G. VCF-style: chr19-11010379-A-G. GRCh37 (hg19) VCF-style: chr19-11121055-A-G.
Other names: c.2124-2A>G (NM_001128844.3, NM_001128849.3, NM_001128847.4 and 6 more transcripts).
Identifiers: ClinVar variation 964059 (VCV000964059.8), dbSNP rs2088710706, ClinGen allele CA404052640.

ClinVar aggregate classification (germline): Likely pathogenic (1 of 4 stars; one submission).

Conditions:
Rhabdoid tumor predisposition syndrome 2 (RTPS2). Identifiers: Orphanet 231108, Orphanet 69077, MedGen C2750074, MONDO:0013224, OMIM 613325.

Submission:

Labcorp Genetics (formerly Invitae), Labcorp
Classification: Likely pathogenic for Rhabdoid tumor predisposition syndrome 2. Last evaluated: 2019-11-14. Review status: criteria provided, single submitter. Criteria: Invitae Variant Classification Sherloc (09022015). Collection method: clinical testing. Allele origin: germline.
Comment: In summary, the currently available evidence indicates that the variant is pathogenic, but additional data are needed to prove that conclusively. Therefore, this variant has been classified as Likely Pathogenic. Donor and acceptor splice site variants typically lead to a loss of protein function (PMID: 16199547), and loss-of-function variants in SMARCA4 are known to be pathogenic (PMID: 24658001, 24658002). Algorithms developed to predict the effect of sequence changes on RNA splicing suggest that this variant may disrupt the consensus splice site, but this prediction has not been confirmed by published transcriptional studies. This sequence change affects an acceptor splice site in intron 14 of the SMARCA4 gene. It is expected to disrupt RNA splicing and likely results in an absent or disrupted protein product. This variant is not present in population databases (ExAC no frequency). This variant has not been reported in the literature in individuals with SMARCA4-related conditions.

Literature cited by the submitters: PubMed 16199547; PubMed 24658001; PubMed 24658002.